The following is an entry in ClinVar:

NM_014712.3(SETD1A):c.716A>T (p.Asn239Ile)

Gene: SETD1A (SET domain containing 1A, histone lysine methyltransferase; plus strand). Cytogenetic location: 16p11.2.
Variant type: single nucleotide variant.
Coding change: c.716A>T on transcript NM_014712.3 (MANE Select); coding-DNA position 716, A replaced by T.
Protein change: p.Asn239Ile; replaces asparagine 239 with isoleucine.
Molecular consequence: missense variant.
Genome position (GRCh38, 1-based): chr16:30,964,170, A>T. VCF-style: chr16-30964170-A-T. GRCh37 (hg19) VCF-style: chr16-30975491-A-T.
Other names: short protein forms N239I.
Identifiers: ClinVar variation 2637500 (VCV002637500.1), dbSNP rs747007685, ClinGen allele CA8016474.
Genomic context (GRCh38, chr16:30,964,170, plus strand): 5'-GCTCTTCCTCTGACACAGCTGCCTACCCAGCAGGCACCACTGCGGTGGGCACTCCTGGCA[A>T]CGGCACCCCCTGCTCCCAGGACACAAGCTTCTCCAGCAGCCGACAAGATACCCCATCTTC-3'
Protein context (NP_055527.1, residues 229-249): AGTTAVGTPG[Asn239Ile]GTPCSQDTSF

ClinVar aggregate classification (germline): Uncertain significance (1 of 4 stars; one submission).

Allele frequency attached by ClinVar (database versions not stated): ExAC 0.00001; gnomAD 0.00001; TOPMed 0.00001.
gnomAD v4.1: 4 of 1,613,786 alleles (0.00025%); highest among the groups gnomAD compares: Non-Finnish European, 0.00034%; no homozygotes.

Submission:

Women's Health and Genetics/Laboratory Corporation of America, LabCorp
Classification: Uncertain significance. Last evaluated: 2023-10-26. Review status: criteria provided, single submitter. Criteria: LabCorp Variant Classification Summary - May 2015. Collection method: clinical testing. Allele origin: germline.
Comment: Variant summary: SETD1A c.716A>T (p.Asn239Ile) results in a non-conservative amino acid change in the encoded protein sequence. Five of five in-silico tools predict a damaging effect of the variant on protein function. The variant allele was found at a frequency of 4e-06 in 251416 control chromosomes. The available data on variant occurrences in the general population are insufficient to allow any conclusion about variant significance. To our knowledge, no occurrence of c.716A>T in individuals affected with Neurodevelopmental Disorder With Speech Impairment And Dysmorphic Facies and no experimental evidence demonstrating its impact on protein function have been reported. No submitters have cited clinical-significance assessments for this variant to ClinVar after 2014. Based on the evidence outlined above, the variant was classified as uncertain significance.